The following is an entry in ClinVar:

ClinVar aggregate classification (germline): Uncertain significance (1 of 4 stars; one submission).

gnomAD v4.1: 6 of 1,211,795 alleles (0.0005%); highest among the groups gnomAD compares: Non-Finnish European, 0.00067%; no homozygotes.

Submission:

GeneDx
Classification: Uncertain significance. Last evaluated: 2024-06-27. Review status: criteria provided, single submitter. Criteria: GeneDx Variant Classification Process June 2021. Collection method: clinical testing. Allele origin: germline. Affected: yes.
Comment: Not observed at significant frequency in large population cohorts (gnomAD); In silico analysis indicates that this missense variant does not alter protein structure/function; Has not been previously published as pathogenic or benign to our knowledge

NM_171998.4(RAB39B):c.467A>G (p.Asp156Gly)

Gene: RAB39B (RAB39B, member RAS oncogene family; minus strand). Cytogenetic location: Xq28.
Variant type: single nucleotide variant.
Coding change: c.467A>G on transcript NM_171998.4 (MANE Select); coding-DNA position 467, A replaced by G.
Protein change: p.Asp156Gly; replaces aspartic acid 156 with glycine.
Molecular consequence: missense variant.
Genome position (GRCh38, 1-based): chrX:155,260,978, T>C on the plus strand (A>G on the coding strand, the complement: RAB39B is on the minus strand). VCF-style: chrX-155260978-T-C. GRCh37 (hg19) VCF-style: chrX-154490263-T-C.
Other names: short protein forms D156G.
Identifiers: ClinVar variation 3392645 (VCV003392645.1).